The following is an entry in ClinVar:

ClinVar aggregate classification (germline): Uncertain significance. Review status: criteria provided, multiple submitters, no conflicts (2 of 4 stars). 2 submissions from 2 submitters: Uncertain significance (2). Last evaluated 2021-07-08.

Submissions (2):

Labcorp Genetics (formerly Invitae), Labcorp
Classification: Uncertain significance. Last evaluated: 2021-07-08. Review status: criteria provided, single submitter. Criteria: Invitae Variant Classification Sherloc (09022015). Collection method: clinical testing. Allele origin: germline.
Comment: This sequence change replaces isoleucine with leucine at codon 394 of the ABRAXAS1 protein (p.Ile394Leu). The isoleucine residue is moderately conserved and there is a small physicochemical difference between isoleucine and leucine. This variant is not present in population databases (ExAC no frequency). This variant has not been reported in the literature in individuals with ABRAXAS1-related conditions. Algorithms developed to predict the effect of missense changes on protein structure and function output the following: SIFT: "Tolerated"; PolyPhen-2: "Benign"; Align-GVGD: "Class C0". The leucine amino acid residue is found in multiple mammalian species, suggesting that this missense change does not adversely affect protein function. These predictions have not been confirmed by published functional studies and their clinical significance is uncertain. In summary, the available evidence is currently insufficient to determine the role of this variant in disease. Therefore, it has been classified as a Variant of Uncertain Significance.

Women's Health and Genetics/Laboratory Corporation of America, LabCorp
Classification: Uncertain significance. Last evaluated: 2018-03-12. Review status: criteria provided, single submitter. Criteria: LabCorp Variant Classification Summary - May 2015. Collection method: clinical testing. Allele origin: germline.
Comment: Variant summary: FAM175A c.1180A>C (p.Ile394Leu) results in a conservative amino acid change in the encoded protein sequence. Five of five in-silico tools predict a benign effect of the variant on protein function. The variant was absent in 246014 control chromosomes (gnomAD). The available data on variant occurrences in the general population are insufficient to allow any conclusion about variant significance. To our knowledge, no occurrence of c.1180A>C in individuals affected with Hereditary Breast and Ovarian Cancer and no experimental evidence demonstrating its impact on protein function have been reported. No clinical diagnostic laboratories have submitted clinical-significance assessments for this variant to ClinVar after 2014. Based on the evidence outlined above, the variant was classified as uncertain significance.

NM_139076.3(ABRAXAS1):c.1180A>C (p.Ile394Leu)

Gene: ABRAXAS1 (abraxas 1, BRCA1 A complex subunit; minus strand). Cytogenetic location: 4q21.23.
Variant type: single nucleotide variant.
Coding change: c.1180A>C on transcript NM_139076.3 (MANE Select); coding-DNA position 1180, A replaced by C.
Protein change: p.Ile394Leu; replaces isoleucine 394 with leucine.
Molecular consequence: missense variant.
Genome position (GRCh38, 1-based): chr4:83,462,519, T>G on the plus strand (A>C on the coding strand, the complement: ABRAXAS1 is on the minus strand). VCF-style: chr4-83462519-T-G. GRCh37 (hg19) VCF-style: chr4-84383672-T-G.
Other names: c.853A>C, p.Ile285Leu (NM_001345962.2); short protein forms I394L, I285L.
Identifiers: ClinVar variation 633201 (VCV000633201.10), dbSNP rs1560570462, ClinGen allele CA357254951.